The following is an entry in ClinVar:

NM_144628.4(TBC1D20):c.710G>A (p.Arg237Gln)

Gene: TBC1D20 (TBC1 domain family member 20; minus strand). Cytogenetic location: 20p13.
Variant type: single nucleotide variant.
Coding change: c.710G>A on transcript NM_144628.4 (MANE Select); coding-DNA position 710, G replaced by A.
Protein change: p.Arg237Gln; replaces arginine 237 with glutamine.
Molecular consequence: missense variant. On other transcripts: non-coding transcript variant (1).
Genome position (GRCh38, 1-based): chr20:440,306, C>T on the plus strand (G>A on the coding strand, the complement: TBC1D20 is on the minus strand). VCF-style: chr20-440306-C-T. GRCh37 (hg19) VCF-style: chr20-420950-C-T.
Other names: short protein forms R237Q.
Identifiers: ClinVar variation 1348888 (VCV001348888.6), dbSNP rs1356229514, ClinGen allele CA407944507.
Genomic context (GRCh38, chr20:440,306, plus strand): 5'-ACCACGGCTGCAAAGTAAATCGGCATCAGTGGGTGGCAGGCCAGGAAGAAGTCATATAAC[C>T]GCACGACGTGCCTGAAGTCAGACAGGACATGCCCAAACCAGGTGATGAGCCAGCTGAGGG-3'
Protein context (NP_653229.1, residues 227-247): HVLSDFRHVV[Arg237Gln]LYDFFLACHP

ClinVar aggregate classification (germline): Uncertain significance (1 of 4 stars; one submission).

Allele frequency attached by ClinVar (database versions not stated): gnomAD exomes below 0.00001 and 0.00001.
gnomAD v4.1: 10 of 1,614,056 alleles (0.00062%); highest among the groups gnomAD compares: African/African-American, 0.0013%; no homozygotes.

Submission:

Labcorp Genetics (formerly Invitae), Labcorp
Classification: Uncertain significance. Last evaluated: 2021-10-05. Review status: criteria provided, single submitter. Criteria: Invitae Variant Classification Sherloc (09022015). Collection method: clinical testing. Allele origin: germline.
Comment: In summary, the available evidence is currently insufficient to determine the role of this variant in disease. Therefore, it has been classified as a Variant of Uncertain Significance. Algorithms developed to predict the effect of sequence changes on RNA splicing suggest that this variant may create or strengthen a splice site. Algorithms developed to predict the effect of missense changes on protein structure and function are either unavailable or do not agree on the potential impact of this missense change (SIFT: "Tolerated"; PolyPhen-2: "Probably Damaging"; Align-GVGD: "Class C0"). This variant has not been reported in the literature in individuals affected with TBC1D20-related conditions. This variant is not present in population databases (ExAC no frequency). This sequence change replaces arginine with glutamine at codon 237 of the TBC1D20 protein (p.Arg237Gln). The arginine residue is moderately conserved and there is a small physicochemical difference between arginine and glutamine.